The following is an entry in ClinVar:

ClinVar aggregate classification (germline): Uncertain significance (1 of 4 stars; one submission).

Allele frequency attached by ClinVar (database versions not stated): TOPMed below 0.00001.

Submission:

GeneDx
Classification: Uncertain significance. Last evaluated: 2020-03-30. Review status: criteria provided, single submitter. Criteria: GeneDx Variant Classification Process June 2021. Collection method: clinical testing. Allele origin: germline. Affected: yes.
Comment: Has not been previously published as pathogenic or benign to our knowledge; Not observed in large population cohorts (Lek et al., 2016); In silico analysis, which includes splice predictors and evolutionary conservation, supports a deleterious effect

NM_138422.4(ADAT3):c.973G>C (p.Gly325Arg)

Genes: ADAT3 (adenosine deaminase tRNA specific 3; plus strand), SCAMP4 (secretory carrier membrane protein 4; plus strand). Cytogenetic location: 19p13.3.
Variant type: single nucleotide variant.
Coding change: c.973G>C on transcript NM_138422.4 (MANE Select); coding-DNA position 973, G replaced by C.
Protein change: p.Gly325Arg; replaces glycine 325 with arginine.
Molecular consequence: missense variant. On other transcripts: intron variant (3).
Genome position (GRCh38, 1-based): chr19:1,913,020, G>C. VCF-style: chr19-1913020-G-C. GRCh37 (hg19) VCF-style: chr19-1913019-G-C.
Other names: c.925G>C, p.Gly309Arg (NM_001329533.2); c.-41-1959G>C (NM_079834.4, NM_001329540.2); c.-125-4674G>C (NM_001329539.2); short protein forms G309R, G325R.
Identifiers: ClinVar variation 1304627 (VCV001304627.2), dbSNP rs1402238455, ClinGen allele CA403173413.